The following is an entry in ClinVar:

ClinVar aggregate classification (germline): Uncertain significance (1 of 4 stars; one submission).

Conditions:
Familial cancer of breast. Also called: hereditary breast carcinoma; BREAST CANCER, FAMILIAL; Hereditary breast cancer. Identifiers: Orphanet 227535, MedGen C0346153, MONDO:0016419, OMIM 114480. Disease mechanism: loss of function.

Submission:

Labcorp Genetics (formerly Invitae), Labcorp
Classification: Uncertain significance for Familial cancer of breast. Last evaluated: 2024-03-09. Review status: criteria provided, single submitter. Criteria: Invitae Variant Classification Sherloc (09022015). Collection method: clinical testing. Allele origin: germline.
Comment: This sequence change replaces proline, which is neutral and non-polar, with glutamine, which is neutral and polar, at codon 811 of the PALB2 protein (p.Pro811Gln). This variant is not present in population databases (gnomAD no frequency). This variant has not been reported in the literature in individuals affected with PALB2-related conditions. Advanced modeling of protein sequence and biophysical properties (such as structural, functional, and spatial information, amino acid conservation, physicochemical variation, residue mobility, and thermodynamic stability) performed at Invitae indicates that this missense variant is not expected to disrupt PALB2 protein function with a negative predictive value of 80%. In summary, the available evidence is currently insufficient to determine the role of this variant in disease. Therefore, it has been classified as a Variant of Uncertain Significance.

NM_024675.4(PALB2):c.2432C>A (p.Pro811Gln)

Gene: PALB2 (partner and localizer of BRCA2; minus strand). Cytogenetic location: 16p12.2.
Variant type: single nucleotide variant.
Coding change: c.2432C>A on transcript NM_024675.4 (MANE Select); coding-DNA position 2432, C replaced by A.
Protein change: p.Pro811Gln; replaces proline 811 with glutamine.
Molecular consequence: missense variant. On other transcripts: intron variant (1).
Genome position (GRCh38, 1-based): chr16:23,629,722, G>T on the plus strand (C>A on the coding strand, the complement: PALB2 is on the minus strand). VCF-style: chr16-23629722-G-T. GRCh37 (hg19) VCF-style: chr16-23641043-G-T.
Other names: c.2372C>A, p.Pro791Gln (NM_001407296.1); c.2432C>A, p.Pro811Gln (NM_001407297.1, NM_001407298.1, NM_001407299.1 and 3 more transcripts); c.1547C>A, p.Pro516Gln (NM_001407304.1, NM_001407305.1, NM_001407306.1 and 5 more transcripts); c.644C>A, p.Pro215Gln (NM_001407312.1, NM_001407313.1); c.49-447C>A (NM_001407314.1); short protein forms P215Q, P791Q, P811Q, P516Q.
Identifiers: ClinVar variation 3645163 (VCV003645163.2).